The following is an entry in ClinVar:

ClinVar aggregate classification (germline): Uncertain significance. Review status: criteria provided, multiple submitters, no conflicts (2 of 4 stars). 2 submissions from 2 submitters: Uncertain significance (2). Last evaluated 2025-04-02.

Conditions:
Hereditary cancer-predisposing syndrome. Also called: Neoplastic Syndromes, Hereditary; Hereditary Cancer Syndrome; Hereditary neoplastic syndrome; Tumor predisposition. Identifiers: Orphanet 140162, MedGen C0027672, MeSH D009386, MONDO:0015356.
Gorlin syndrome. Also called: Nevoid Basal Cell Carcinoma Syndrome; Basal cell nevus syndrome. Identifiers: Orphanet 377, MedGen C0004779, MONDO:0007187.
Medulloblastoma (MDB). Also called: MEDULLOBLASTOMA PREDISPOSITION SYNDROME; Medulloblastoma, somatic. Identifiers: Orphanet 616, MedGen C0025149, MeSH D008527, MONDO:0007959, OMIM 155255, HP:0002885.

Submissions (2):

Labcorp Genetics (formerly Invitae), Labcorp
Classification: Uncertain significance for Gorlin syndrome; Medulloblastoma. Last evaluated: 2025-04-02. Review status: criteria provided, single submitter. Criteria: Invitae Variant Classification Sherloc (09022015). Collection method: clinical testing. Allele origin: germline.
Comment: This sequence change replaces proline, which is neutral and non-polar, with glutamine, which is neutral and polar, at codon 24 of the SUFU protein (p.Pro24Gln). This variant is not present in population databases (gnomAD no frequency). This variant has not been reported in the literature in individuals affected with SUFU-related conditions. ClinVar contains an entry for this variant (Variation ID: 826901). Invitae Evidence Modeling of protein sequence and biophysical properties (such as structural, functional, and spatial information, amino acid conservation, physicochemical variation, residue mobility, and thermodynamic stability) indicates that this missense variant is not expected to disrupt SUFU protein function with a negative predictive value of 80%. In summary, the available evidence is currently insufficient to determine the role of this variant in disease. Therefore, it has been classified as a Variant of Uncertain Significance.

Ambry Genetics
Classification: Uncertain significance for Hereditary cancer-predisposing syndrome. Last evaluated: 2024-05-08. Review status: criteria provided, single submitter. Criteria: Ambry Variant Classification Scheme 2023. Collection method: clinical testing. Allele origin: germline.
Comment: The p.P24Q variant (also known as c.71C>A), located in coding exon 1 of the SUFU gene, results from a C to A substitution at nucleotide position 71. The proline at codon 24 is replaced by glutamine, an amino acid with similar properties. This amino acid position is not well conserved in available vertebrate species. In addition, this alteration is predicted to be tolerated by in silico analysis. Since supporting evidence is limited at this time, the clinical significance of this alteration remains unclear.

NM_016169.4(SUFU):c.71C>A (p.Pro24Gln)

Genes: SUFU (SUFU negative regulator of hedgehog signaling; plus strand), LOC130004614 (ATAC-STARR-seq lymphoblastoid silent region 2764; plus strand). Cytogenetic location: 10q24.32.
Variant type: single nucleotide variant.
Coding change: c.71C>A on transcript NM_016169.4 (MANE Select); coding-DNA position 71, C replaced by A.
Protein change: p.Pro24Gln; replaces proline 24 with glutamine.
Molecular consequence: missense variant.
Genome position (GRCh38, 1-based): chr10:102,504,223, C>A. VCF-style: chr10-102504223-C-A. GRCh37 (hg19) VCF-style: chr10-104263980-C-A.
Other names: c.71C>A, p.Pro24Gln (NM_001178133.2); short protein forms P24Q.
Identifiers: ClinVar variation 826901 (VCV000826901.12), dbSNP rs754218597, ClinGen allele CA377886345.